The following is an entry in ClinVar:

ClinVar aggregate classification (germline): Pathogenic. Review status: criteria provided, multiple submitters, no conflicts (2 of 4 stars). 3 submissions from 3 submitters: Pathogenic (2). 1 of the submissions does not count toward it. Last evaluated 2025-08-11.

Conditions:
Complement component 7 deficiency (C7D). Also called: C7 DEFICIENCY. Identifiers: MedGen C1864694, MONDO:0012412, OMIM 610102.

Allele frequency attached by ClinVar (database versions not stated): gnomAD 0.00004; TOPMed 0.00004; gnomAD exomes 0.00005.
gnomAD v4.1: 77 of 1,609,192 alleles (0.0048%); highest among the groups gnomAD compares: Non-Finnish European, 0.0058%; no homozygotes.

Submissions (3):

Labcorp Genetics (formerly Invitae), Labcorp
Classification: Pathogenic. Last evaluated: 2025-08-11. Review status: criteria provided, single submitter. Criteria: Invitae Variant Classification Sherloc (09022015). Collection method: clinical testing. Allele origin: germline.
Comment: This sequence change affects an acceptor splice site in intron 2 of the C7 gene. It is expected to disrupt RNA splicing. Variants that disrupt the donor or acceptor splice site typically lead to a loss of protein function (PMID: 16199547), and loss-of-function variants in C7 are known to be pathogenic (PMID: 9856499, 17407100). This variant is present in population databases (no rsID available, gnomAD 0.01%). Disruption of this splice site has been observed in individual(s) with C7 deficiency (PMID: 9218625). It has also been observed to segregate with disease in related individuals. ClinVar contains an entry for this variant (Variation ID: 12106). Algorithms developed to predict the effect of sequence changes on RNA splicing suggest that this variant may disrupt the consensus splice site. For these reasons, this variant has been classified as Pathogenic.

GeneDx
Classification: Pathogenic. Last evaluated: 2022-04-14. Review status: criteria provided, single submitter. Criteria: GeneDx Variant Classification Process June 2021. Collection method: clinical testing. Allele origin: germline. Affected: yes.
Comment: Canonical splice site variant predicted to result in a null allele in a gene for which loss of function is a known mechanism of disease; This variant is associated with the following publications: (PMID: 25525159, 9218625)

OMIM
Classification: Pathogenic for C7 DEFICIENCY. Last evaluated: 1997-07-15. Review status: no assertion criteria provided. Collection method: literature only. Allele origin: germline. Not counted in ClinVar's aggregate classification.

Literature cited by the submitters: PubMed 16199547 (cited by Labcorp Genetics (formerly Invitae), Labcorp); PubMed 9856499 (cited by Labcorp Genetics (formerly Invitae), Labcorp); PubMed 17407100 (cited by Labcorp Genetics (formerly Invitae), Labcorp); PubMed 9218625 (cited by Labcorp Genetics (formerly Invitae), Labcorp and OMIM).

NM_000587.4(C7):c.63-1G>A

Gene: C7 (complement C7; plus strand). Cytogenetic location: 5p13.1.
Variant type: single nucleotide variant.
Coding change: c.63-1G>A on transcript NM_000587.4 (MANE Select); the canonical splice acceptor site of the intron before coding-DNA position 63, G replaced by A.
Molecular consequence: splice acceptor variant.
Genome position (GRCh38, 1-based): chr5:40,931,063, G>A. VCF-style: chr5-40931063-G-A. GRCh37 (hg19) VCF-style: chr5-40931165-G-A.
Other names: C7, IVS1AS, G-A, -1; IVS1, G-A, -1.
Identifiers: ClinVar variation 12106 (VCV000012106.9), dbSNP rs1022194067, ClinGen allele CA117239763.